The following is an entry in ClinVar:

ClinVar aggregate classification (germline): Likely benign. Review status: criteria provided, multiple submitters, no conflicts (2 of 4 stars). 2 submissions from 2 submitters: Likely benign (2). Last evaluated 2025-12-01.

Conditions:
Anterior segment dysgenesis 7 (ASGD7). Also called: SCLEROCORNEA WITH OTHER OCULAR ANOMALIES; Anterior segment dysgenesis 7, with sclerocornea. Identifiers: Orphanet 289499, MedGen C3151617, MONDO:0010015, OMIM 269400.

Allele frequency attached by ClinVar (database versions not stated): ExAC 0.00007; gnomAD exomes 0.00007; gnomAD 0.00008; TOPMed 0.00011; 1000 Genomes Project 30x 0.00016; 1000 Genomes Project 0.00020; ESP Exome Variant Server 0.00023.
gnomAD v4.1: 113 of 1,614,048 alleles (0.007%); highest among the groups gnomAD compares: Admixed American, 0.012%; no homozygotes.

Submissions (2):

CeGaT Center for Human Genetics Tuebingen
Classification: Likely benign. Last evaluated: 2025-12-01. Review status: criteria provided, single submitter. Criteria: CeGaT Center For Human Genetics Tuebingen Variant Classification Criteria Version 2. Collection method: clinical testing. Allele origin: germline. Affected: yes. Observed: 1 variant allele.
Comment: PXDN: BP4, BP7

Labcorp Genetics (formerly Invitae), Labcorp
Classification: Likely benign for Anterior segment dysgenesis 7. Last evaluated: 2025-02-10. Review status: criteria provided, single submitter. Criteria: Invitae Variant Classification Sherloc (09022015). Collection method: clinical testing. Allele origin: germline.

NM_012293.3(PXDN):c.621G>T (p.Leu207=)

Gene: PXDN (peroxidasin; minus strand). Cytogenetic location: 2p25.3.
Variant type: single nucleotide variant.
Coding change: c.621G>T on transcript NM_012293.3 (MANE Select); coding-DNA position 621, G replaced by T.
Protein change: p.Leu207=; no amino-acid change (leucine 207 retained).
Molecular consequence: synonymous variant.
Genome position (GRCh38, 1-based): chr2:1,680,302, C>A on the plus strand (G>T on the coding strand, the complement: PXDN is on the minus strand). VCF-style: chr2-1680302-C-A. GRCh37 (hg19) VCF-style: chr2-1684074-C-A.
Identifiers: ClinVar variation 3011372 (VCV003011372.8), dbSNP rs201411621, ClinGen allele CA1513592.